The following is an entry in ClinVar:

NM_001370259.2(MEN1):c.973G>A (p.Ala325Thr)

Gene: MEN1 (menin 1; minus strand). Cytogenetic location: 11q13.1.
Variant type: single nucleotide variant.
Coding change: c.973G>A on transcript NM_001370259.2 (MANE Select); coding-DNA position 973, G replaced by A.
Protein change: p.Ala325Thr; replaces alanine 325 with threonine.
Molecular consequence: missense variant. On other transcripts: non-coding transcript variant (4).
Genome position (GRCh38, 1-based): chr11:64,806,308, C>T on the plus strand (G>A on the coding strand, the complement: MEN1 is on the minus strand). VCF-style: chr11-64806308-C-T. GRCh37 (hg19) VCF-style: chr11-64573780-C-T.
Other names: c.973G>A, p.Ala325Thr (NM_001407143.1, NM_001407144.1, NM_001407146.1 and 7 more transcripts); c.988G>A, p.Ala330Thr (NM_001407145.1, NM_001407150.1, NM_130800.3 and 5 more transcripts); c.868G>A, p.Ala290Thr (NM_001407148.1, NM_001407149.1, NM_001407151.1 and 2 more transcripts); short protein forms A330T, A325T, A290T.
Identifiers: ClinVar variation 2736969 (VCV002736969.3), dbSNP rs2136120062, ClinGen allele CA381183332.

ClinVar aggregate classification (germline): Uncertain significance (1 of 4 stars; one submission).

Conditions:
Multiple endocrine neoplasia, type 1 (MEN1). Also called: Endocrine adenomatosis multiple; MEN 1; MEA I; MEN I; WERMER SYNDROME. Identifiers: Orphanet 652, MedGen C0025267, MeSH D018761, MONDO:0007540, OMIM 131100.

Submission:

Labcorp Genetics (formerly Invitae), Labcorp
Classification: Uncertain significance for Multiple endocrine neoplasia, type 1. Last evaluated: 2023-07-07. Review status: criteria provided, single submitter. Criteria: Invitae Variant Classification Sherloc (09022015). Collection method: clinical testing. Allele origin: germline.
Comment: This sequence change replaces alanine, which is neutral and non-polar, with threonine, which is neutral and polar, at codon 325 of the MEN1 protein (p.Ala325Thr). This variant is not present in population databases (gnomAD no frequency). This variant has not been reported in the literature in individuals affected with MEN1-related conditions. Advanced modeling of protein sequence and biophysical properties (such as structural, functional, and spatial information, amino acid conservation, physicochemical variation, residue mobility, and thermodynamic stability) performed at Invitae indicates that this missense variant is expected to disrupt MEN1 protein function. In summary, the available evidence is currently insufficient to determine the role of this variant in disease. Therefore, it has been classified as a Variant of Uncertain Significance.